The following is an entry in ClinVar:

ClinVar aggregate classification (germline): Uncertain significance (1 of 4 stars; one submission).

Submission:

Labcorp Genetics (formerly Invitae), Labcorp
Classification: Uncertain significance. Last evaluated: 2023-10-27. Review status: criteria provided, single submitter. Criteria: Invitae Variant Classification Sherloc (09022015). Collection method: clinical testing. Allele origin: germline.
Comment: This sequence change affects a splice site in intron 3 of the ANKZF1 gene. It is expected to disrupt RNA splicing. Variants that disrupt the donor or acceptor splice site typically lead to a loss of protein function (PMID: 16199547), however the current clinical and genetic evidence is not sufficient to establish whether loss-of-function variants in ANKZF1 cause disease. This variant is not present in population databases (gnomAD no frequency). This variant has not been reported in the literature in individuals affected with ANKZF1-related conditions. Algorithms developed to predict the effect of sequence changes on RNA splicing suggest that this variant may disrupt the consensus splice site. In summary, the available evidence is currently insufficient to determine the role of this variant in disease. Therefore, it has been classified as a Variant of Uncertain Significance.

Literature cited by the submitters: PubMed 16199547.

NM_018089.3(ANKZF1):c.262-1del

Gene: ANKZF1 (ankyrin repeat and zinc finger peptidyl tRNA hydrolase 1; plus strand). Cytogenetic location: 2q35.
Variant type: Deletion.
Coding change: c.262-1del on transcript NM_018089.3 (MANE Select); the canonical splice acceptor site of the intron before coding-DNA position 262, one base deleted (G; older notation c.262-1delG).
Molecular consequence: splice acceptor variant. On other transcripts: intron variant (1).
Genome position (GRCh38, 1-based): chr2:219,232,259, G deleted. VCF-style (leftmost placement, unchanged base first): chr2-219232258-AG-A. GRCh37 (hg19) VCF-style: chr2-220096980-AG-A.
Other names: c.-266-231del (NM_001282792.2); c.262-1del (NM_001042410.2).
Identifiers: ClinVar variation 2771965 (VCV002771965.3), dbSNP rs2544912472, ClinGen allele CA2697550464.